The following is an entry in ClinVar:

ClinVar aggregate classification (germline): Conflicting classifications of pathogenicity. Review status: criteria provided, conflicting classifications (1 of 4 stars). 4 submissions from 4 submitters: Likely pathogenic (3); Uncertain significance (1). Last evaluated 2024-10-17.

Conditions:
Histiocytic medullary reticulosis. Also called: SEVERE COMBINED IMMUNODEFICIENCY WITH HYPEREOSINOPHILIA; Omenn syndrome. Identifiers: Orphanet 39041, MedGen C2700553, MONDO:0011338, OMIM 603554.
Severe combined immunodeficiency due to DCLRE1C deficiency (RS-SCID). Also called: SCID, AUTOSOMAL RECESSIVE, T CELL-NEGATIVE, B CELL-NEGATIVE, NK CELL-POSITIVE, WITH SENSITIVITY TO IONIZING RADIATION. Identifiers: Orphanet 275, MedGen C1865371, MONDO:0011225, OMIM 602450.
Athabaskan severe combined immunodeficiency (SCIDA). Also called: Severe combined immunodeficiency, athabascan-type. Identifiers: MedGen C1865370.

Submissions (4):

Natera, Inc.
Classification: Likely pathogenic for Athabascan severe combined immunodeficiency. Last evaluated: 2024-10-17. Review status: criteria provided, single submitter. Criteria: Natera Variant Classification Schema (03/2026). Collection method: clinical testing. Allele origin: germline.
Comment: The c.1789delT variant in DCLRE1C is a frameshift variant predicted to shift the reading frame beginning at codon 597 and leads to a stop codon 9 codons downstream. This variant is expected to result in nonsense mediated decay, truncation, or a dysfunctional protein product. This variant is rare in the general population with a frequency below the threshold expected for the associated phenotype(s). Given the available evidence, this variant is classified as Likely Pathogenic.

Fulgent Genetics
Classification: Likely pathogenic for Severe combined immunodeficiency due to DCLRE1C deficiency; Histiocytic medullary reticulosis. Last evaluated: 2024-05-07. Review status: criteria provided, single submitter. Criteria: ACMG Guidelines, 2015. Collection method: clinical testing. Allele origin: germline.

Baylor Genetics
Classification: Likely pathogenic for Histiocytic medullary reticulosis. Last evaluated: 2023-11-03. Review status: criteria provided, single submitter. Criteria: ACMG Guidelines, 2015. Collection method: clinical testing. Allele origin: unknown.

Labcorp Genetics (formerly Invitae), Labcorp
Classification: Uncertain significance for Athabaskan severe combined immunodeficiency. Last evaluated: 2019-06-24. Review status: criteria provided, single submitter. Criteria: Invitae Variant Classification Sherloc (09022015). Collection method: clinical testing. Allele origin: germline.
Comment: This sequence change results in a premature translational stop signal in the DCLRE1C gene (p.Cys597Alafs*9). While this is not anticipated to result in nonsense mediated decay, it is expected to disrupt the last 96 amino acids of the DCLRE1C protein. This variant is present in population databases (rs759377639, ExAC 0.001%). This variant has not been reported in the literature in individuals with DCLRE1C-related conditions. Experimental studies and prediction algorithms are not available or were not evaluated for this variant, and the functional significance of the affected amino acid(s) is currently unknown. In summary, the available evidence is currently insufficient to determine the role of this variant in disease. Therefore, it has been classified as a Variant of Uncertain Significance.

NM_001033855.3(DCLRE1C):c.1789del (p.Cys597fs)

Gene: DCLRE1C (DNA cross-link repair 1C; minus strand). Cytogenetic location: 10p13.
Variant type: Deletion.
Coding change: c.1789del on transcript NM_001033855.3 (MANE Select); coding-DNA position 1789, one base deleted (T; older notation c.1789delT).
Protein change: p.Cys597fs; shifts the reading frame from cysteine 597.
Molecular consequence: frameshift variant. On other transcripts: non-coding transcript variant (3), intron variant (3).
Genome position (GRCh38, 1-based): chr10:14,908,698, A deleted on the plus strand (T on the coding strand, the reverse complement: DCLRE1C is on the minus strand); the first of 3 consecutive A bases (chr10:14,908,698-14,908,700); deleting any one gives the same sequence. VCF-style (leftmost placement, unchanged base first): chr10-14908697-CA-C. GRCh37 (hg19) VCF-style: chr10-14950696-CA-C.
Other names: c.1429del, p.Cys477fs (NM_001033857.3, NM_001033858.3, NM_001289077.2 and 1 more transcripts); c.1444del, p.Cys482fs (NM_001289076.2, NM_001289078.2, NM_022487.4); c.1437+7del (NM_001350966.2); c.1782+7del (NM_001350965.2); c.1422+7del (NM_001350967.2); c.1789delT (NM_001033855.2); short protein forms C482fs, C597fs, C477fs.
Identifiers: ClinVar variation 945322 (VCV000945322.9), dbSNP rs759377639, ClinGen allele CA5416408.